The following is an entry in ClinVar:

ClinVar aggregate classification (germline): Uncertain significance (1 of 4 stars; one submission).

Conditions:
Hereditary cancer-predisposing syndrome. Also called: Neoplastic Syndromes, Hereditary; Tumor predisposition; Hereditary Cancer Syndrome; Hereditary neoplastic syndrome. Identifiers: Orphanet 140162, MedGen C0027672, MeSH D009386, MONDO:0015356.

Submission:

Ambry Genetics
Classification: Uncertain significance for Hereditary cancer-predisposing syndrome. Last evaluated: 2025-11-24. Review status: criteria provided, single submitter. Criteria: Ambry Variant Classification Scheme 2023. Collection method: clinical testing. Allele origin: germline.
Comment: The p.R745S variant (also known as c.2235A>T) is located in coding exon 16 of the NBN gene. The arginine at codon 745 is replaced by serine, an amino acid with dissimilar properties. This change occurs in the first base pair of coding exon 16. This amino acid position is conserved. In addition, the in silico prediction for this alteration is inconclusive. Based on the available evidence, the clinical significance of this variant remains unclear.

NM_002485.5(NBN):c.2235A>T (p.Arg745Ser)

Gene: NBN (nibrin; minus strand). Cytogenetic location: 8q21.3.
Variant type: single nucleotide variant.
Coding change: c.2235A>T on transcript NM_002485.5 (MANE Select); coding-DNA position 2235, A replaced by T.
Protein change: p.Arg745Ser; replaces arginine 745 with serine.
Molecular consequence: missense variant.
Genome position (GRCh38, 1-based): chr8:89,935,612, T>A on the plus strand (A>T on the coding strand, the complement: NBN is on the minus strand). VCF-style: chr8-89935612-T-A. GRCh37 (hg19) VCF-style: chr8-90947840-T-A.
Other names: c.1989A>T, p.Arg663Ser (NM_001024688.3, NM_001440379.1, NM_001440380.1); short protein forms R663S, R745S.
Identifiers: ClinVar variation 4660715 (VCV004660715.1).